The following is an entry in ClinVar:

ClinVar aggregate classification (germline): Conflicting classifications of pathogenicity. Review status: criteria provided, conflicting classifications (1 of 4 stars). 2 submissions from 2 submitters: Uncertain significance (1); Likely benign (1). Last evaluated 2026-04-21.

Conditions:
COL11A1-related disorder. Also called: COL11A1-related condition; COL11A1-related disorders.

Allele frequency attached by ClinVar (database versions not stated): TOPMed below 0.00001; ExAC 0.00001; gnomAD 0.00001.
gnomAD v4.1: 3 of 1,608,626 alleles (0.00019%); highest among the groups gnomAD compares: Admixed American, 0.005%; no homozygotes.

Submissions (2):

PreventionGenetics, part of Exact Sciences
Classification: Uncertain significance for COL11A1-related condition. Last evaluated: 2026-04-21. Review status: criteria provided, single submitter. Criteria: ACMG Guidelines, 2015. Collection method: clinical testing. Allele origin: germline.
Comment: The COL11A1 c.986A>G variant is predicted to result in the amino acid substitution p.Asn329Ser. To our knowledge, this variant has not been reported in the literature. This variant is reported in 0.0058% of alleles in individuals of Latino descent in gnomAD. At this time, the clinical significance of this variant is uncertain due to the absence of conclusive functional and genetic evidence.

Labcorp Genetics (formerly Invitae), Labcorp
Classification: Likely benign. Last evaluated: 2024-07-22. Review status: criteria provided, single submitter. Criteria: Invitae Variant Classification Sherloc (09022015). Collection method: clinical testing. Allele origin: germline.

NM_001854.4(COL11A1):c.986A>G (p.Asn329Ser)

Gene: COL11A1 (collagen type XI alpha 1 chain; minus strand). Cytogenetic location: 1p21.1.
Variant type: single nucleotide variant.
Coding change: c.986A>G on transcript NM_001854.4 (MANE Select); coding-DNA position 986, A replaced by G.
Protein change: p.Asn329Ser; replaces asparagine 329 with serine.
Molecular consequence: missense variant. On other transcripts: non-coding transcript variant (1), intron variant (1).
Genome position (GRCh38, 1-based): chr1:103,025,525, T>C on the plus strand (A>G on the coding strand, the complement: COL11A1 is on the minus strand). VCF-style: chr1-103025525-T-C. GRCh37 (hg19) VCF-style: chr1-103491081-T-C.
Other names: c.986A>G (NM_001854.3); c.869A>G, p.Asn290Ser (NM_001190709.2); c.1022A>G, p.Asn341Ser (NM_080629.3); c.897+691A>G (NM_080630.4); short protein forms N329S, N341S, N290S.
Identifiers: ClinVar variation 2993956 (VCV002993956.4), dbSNP rs748401896, ClinGen allele CA975178.